The following is an entry in ClinVar:

NM_001267550.2(TTN):c.83788G>A (p.Glu27930Lys)

Genes: TTN (titin; minus strand), TTN-AS1 (TTN antisense RNA 1; plus strand). Cytogenetic location: 2q31.2.
Variant type: single nucleotide variant.
Coding change: c.83788G>A on transcript NM_001267550.2 (MANE Select); coding-DNA position 83788, G replaced by A.
Protein change: p.Glu27930Lys; replaces glutamic acid 27930 with lysine.
Molecular consequence: missense variant.
Genome position (GRCh38, 1-based): chr2:178,562,344, C>T on the plus strand (G>A on the coding strand, the complement: TTN is on the minus strand). VCF-style: chr2-178562344-C-T. GRCh37 (hg19) VCF-style: chr2-179427071-C-T.
Other names: c.78865G>A, p.Glu26289Lys (NM_001256850.1); c.56593G>A, p.Glu18865Lys (NM_003319.4); c.76084G>A, p.Glu25362Lys (NM_133378.4); c.56968G>A, p.Glu18990Lys (NM_133432.3); c.57169G>A, p.Glu19057Lys (NM_133437.4); short protein forms E26289K, E18865K, E19057K, E18990K, E25362K, E27930K.
Identifiers: ClinVar variation 4984676 (VCV004984676.1).
Genomic context (GRCh38, chr2:178,562,344, plus strand): 5'-GTTGTCTTGGATCACTTCTTCCCTTTTCGTTAACTGCAGCTACCCTGAAGACATACTCTT[C>T]TCCTGCAGTTAAGCCAGATATAGTTGCTTCTAGAGTCTTAACTTGTGTGCAGGTGCTCCA-3'
Protein context (NP_001254479.2, residues 27920-27940): EATISGLTAG[Glu27930Lys]EYVFRVAAVN

ClinVar aggregate classification (germline): Uncertain significance (1 of 4 stars; one submission).

Conditions:
TTN-related disorder. Also called: TTN-related disorders; TTN-related condition; TTN-related disease.

gnomAD v4.1: 6 of 1,611,202 alleles (0.00037%); highest among the groups gnomAD compares: Non-Finnish European, 0.00042%; no homozygotes.

Submission:

PreventionGenetics, part of Exact Sciences
Classification: Uncertain significance for TTN-related condition. Last evaluated: 2026-07-21. Review status: criteria provided, single submitter. Criteria: ACMG Guidelines, 2015. Collection method: clinical testing. Allele origin: germline.
Comment: The TTN c.83788G>A variant is predicted to result in the amino acid substitution p.Glu27930Lys. To our knowledge, this variant has not been reported in the literature. This variant is reported in 0.00090% of alleles in individuals of European (Non-Finnish) descent in gnomAD. At this time, the clinical significance of this variant is uncertain due to the absence of conclusive functional and genetic evidence.